The following is an entry in ClinVar:

NM_014363.6(SACS):c.110del (p.Arg37fs)

Genes: SACS (sacsin molecular chaperone; minus strand), LOC130009366 (ATAC-STARR-seq lymphoblastoid silent region 5172; plus strand). Cytogenetic location: 13q12.12.
Variant type: Deletion.
Coding change: c.110del on transcript NM_014363.6 (MANE Select); coding-DNA position 110, one base deleted (G; older notation c.110delG).
Protein change: p.Arg37fs; shifts the reading frame from arginine 37.
Molecular consequence: frameshift variant. On other transcripts: 5 prime UTR variant (1).
Genome position (GRCh38, 1-based): chr13:23,375,180, C deleted on the plus strand (G on the coding strand, the reverse complement: SACS is on the minus strand). VCF-style (leftmost placement, unchanged base first): chr13-23375179-AC-A. GRCh37 (hg19) VCF-style: chr13-23949318-AC-A.
Other names: c.-244del (NM_001278055.2); c.110del, p.Arg37fs (NM_001437336.1); short protein forms R37fs.
Identifiers: ClinVar variation 5010331 (VCV005010331.1).

ClinVar aggregate classification (germline): Pathogenic (1 of 4 stars; one submission).

Conditions:
Charlevoix-Saguenay spastic ataxia (SACS). Also called: AUTOSOMAL RECESSIVE SPASTIC ATAXIA OF CHARLEVOIX-SAGUENAY; Spastic ataxia of Charlevoix-Saguenay; SPASTIC ATAXIA 6, AUTOSOMAL RECESSIVE. Identifiers: Orphanet 98, MedGen C1849140, MONDO:0010041, OMIM 270550.

Submission:

Myriad Genetics, Inc.
Classification: Pathogenic for Charlevoix-Saguenay spastic ataxia. Last evaluated: 2024-03-18. Review status: criteria provided, single submitter. Criteria: Myriad Autosomal Dominant, Autosomal Recessive and X-Linked Classification Criteria (2023). Collection method: clinical testing. Allele origin: unknown.
Comment: NM_014363.4(SACS):c.110delG(R37Lfs*31) is expected to be pathogenic in the context of autosomal recessive spastic ataxia of Charlevoix-Saguenay. This variant is predicted to lead to an abnormal or absent protein product due to the creation of a premature termination codon in SACS, a gene where loss-of-function variants are known to be pathogenic. Please note: this variant was assessed in the context of healthy population screening.